The following is an entry in ClinVar:

ClinVar aggregate classification (germline): Likely pathogenic (1 of 4 stars; one submission).

Submission:

Quest Diagnostics Nichols Institute San Juan Capistrano
Classification: Likely pathogenic. Last evaluated: 2025-04-24. Review status: criteria provided, single submitter. Criteria: ACMG/ClinGen CNV Guidelines, 2019. Collection method: clinical testing. Allele origin: unknown.
Comment: This copy number gain involves the 16p13.11 BP2-BP3 duplication region (ISCA-37415), which is associated with a range of clinical findings (Hamad 2023). Duplications of 16p13.11 were found to be enriched in patients versus controls in multiple case-control studies, with some exceptions (El Khattabi 2020, Kaminsky 2011). These gains are often inherited from a mildly affected or unaffected parent; however, studies have shown that putatively unaffected carriers scored significantly lower than non-carriers when tested on measures of cognitive and general functioning (Stefansson 2014). This copy number variant (CNV) is classified as likely pathogenic with variable phenotypic expressivity and reduced penetrance. References: El Khattabi et al., J Med Genet. 2020 May;57(5):301-307. PMID: 30287593 Hamad et al., Eur J Med Genet. 2023 Apr;66(4):104714. PMID: 36724812 Kaminsky et al., Genet Med. 2011 Sep;13(9):777-84. PMID: 21844811 Stefansson et al., Nature. 2014 Jan 16;505(7483):361-6. PMID: 24352232

GRCh37/hg19 16p13.11(chr16:15509407-16527476)x3

Genes: ABCC1 (ATP binding cassette subfamily C member 1 (ABCC1 blood group); plus strand), ABCC6 (ATP binding cassette subfamily C member 6; minus strand), BMERB1 (bMERB domain containing 1; plus strand), CEP20 (centrosomal protein 20; minus strand), MARF1 (meiosis regulator and mRNA stability factor 1; minus strand) and 3 more. Cytogenetic location: 16p13.11.
Variant type: copy number gain.
Change: copy number 3 (three copies instead of two) of chr16:15,509,407-16,527,476 (1.02 Mb, GRCh37 coordinates, 1-based), cytogenetic band 16p13.11.
Identifiers: ClinVar variation 1808726 (VCV001808726.3).